The following is an entry in ClinVar:

ClinVar aggregate classification (germline): Pathogenic/Likely pathogenic. Review status: criteria provided, multiple submitters, no conflicts (2 of 4 stars). 7 submissions from 7 submitters: Pathogenic (4); Likely pathogenic (2). 1 of the submissions does not count toward it. Last evaluated 2025-01-10.

Conditions:
Familial juvenile hyperuricemic nephropathy type 2 (ADTKD4). Also called: EARLY-ONSET HYPERURICEMIA, ANEMIA, AND PROGRESSIVE KIDNEY FAILURE; Autosomal Dominant Tubulointerstitial Kidney Disease – REN. Identifiers: Orphanet 217330, MedGen C2751310, MONDO:0013128, OMIM 613092.
Renal tubular dysgenesis of genetic origin. Also called: PRIMITIVE RENAL TUBULE SYNDROME. Identifiers: Orphanet 97369, MedGen C5681536, MONDO:0009970, OMIM 267430.
REN-related disorder. Also called: REN-related condition.
Renal tubular dysgenesis. Also called: Renotubular dysgenesis. Identifiers: Orphanet 3033, MedGen C0266313, MONDO:0017609, HP:0008660.

Allele frequency attached by ClinVar (database versions not stated): gnomAD exomes 0.00003 and 0.00005; ExAC 0.00007; TOPMed 0.00001; gnomAD 0.00001.
gnomAD v4.1: 49 of 1,613,958 alleles (0.003%); highest among the groups gnomAD compares: Non-Finnish European, 0.0033%; no homozygotes.

Submissions (7):

Dasa
Classification: Pathogenic. Last evaluated: 2025-01-10. Review status: criteria provided, single submitter. Criteria: DASA Assertion Criteria. Collection method: clinical testing. Allele origin: germline.
Comment: NM_000537.4(REN):c.145C>T (p.Arg49*) introduces a premature termination codon predicted to result in loss of normal protein function. Loss-of-function is an established mechanism of disease for this gene. This variant has been observed in affected individuals with related phenotype in a genotype context consistent with recessive disease (PMID: 33532864; PMID: 16116425). This variant has been recurrently observed in individuals with related phenotype (PMID: 33532864; PMID: 16116425). The variant is present at low frequency in population datasets. Based on the available data, this variant is classified as pathogenic.

Fulgent Genetics
Classification: Pathogenic for Renal tubular dysgenesis of genetic origin; Familial juvenile hyperuricemic nephropathy type 2. Last evaluated: 2024-05-10. Review status: criteria provided, single submitter. Criteria: ACMG Guidelines, 2015. Collection method: clinical testing. Allele origin: germline.

Clinical Genetics Laboratory, Skane University Hospital Lund
Classification: Likely pathogenic. Last evaluated: 2022-05-27. Review status: criteria provided, single submitter. Criteria: ACMG Guidelines, 2015. Collection method: clinical testing. Allele origin: germline. Affected: yes.

Blueprint Genetics
Classification: Likely pathogenic for REN-related disorders. Last evaluated: 2020-03-03. Review status: criteria provided, single submitter. Criteria: ACMG Guidelines, 2015. Collection method: clinical testing. Allele origin: germline. Affected: yes. Observed: 1 variant allele.

Molecular Biology Laboratory, Fundació Puigvert
Classification: Pathogenic for Familial juvenile hyperuricemic nephropathy type 2. Last evaluated: 2020-02-01. Review status: criteria provided, single submitter. Criteria: ACMG Guidelines, 2015. Collection method: research. Allele origin: germline. Affected: yes. Study: KidneyPanel_2020.

Juno Genomics, Hangzhou Juno Genomics, Inc
Classification: Pathogenic for Renal tubular dysgenesis of genetic origin; Familial juvenile hyperuricemic nephropathy type 2. Review status: criteria provided, single submitter. Criteria: ACMG Guidelines, 2015. Collection method: clinical testing. Allele origin: germline.
Comment: Null variant in a gene where loss of function (LOF) is a known mechanism of disease.;Absent from controls (or at extremely low frequency if recessive) in Genome Aggregation Database.;For recessive disorders, detected in trans with a pathogenic variant.;Patient's phenotype or family history is highly specific for a disease with a single genetic etiology.

OMIM
Classification: Pathogenic for RENAL TUBULAR DYSGENESIS. Last evaluated: 2005-09-01. Review status: no assertion criteria provided. Collection method: literature only. Allele origin: germline. Not counted in ClinVar's aggregate classification.

Literature cited by the submitters: PubMed 33532864 (cited by Dasa and Molecular Biology Laboratory, Fundació Puigvert); PubMed 16116425 (cited by Dasa and OMIM).

NM_000537.4(REN):c.145C>T (p.Arg49Ter)

Gene: REN (renin; minus strand). Cytogenetic location: 1q32.1.
Variant type: single nucleotide variant.
Coding change: c.145C>T on transcript NM_000537.4 (MANE Select); coding-DNA position 145, C replaced by T.
Protein change: p.Arg49Ter; replaces arginine 49 with a stop codon.
Molecular consequence: nonsense.
Genome position (GRCh38, 1-based): chr1:204,162,117, G>A on the plus strand (C>T on the coding strand, the complement: REN is on the minus strand). VCF-style: chr1-204162117-G-A. GRCh37 (hg19) VCF-style: chr1-204131245-G-A.
Other names: c.145C>T (NM_000537.3); short protein forms R49*.
Identifiers: ClinVar variation 13123 (VCV000013123.10), dbSNP rs121917741, ClinGen allele CA122846.
Genomic context (GRCh38, chr1:204,162,117, plus strand): 5'-GTGTCAGCCTCTTCATGGGTTGGCTCCACTCGGGACCAAGCCTGGCCATGTCCACACCTC[G>A]TTCCTTCAGGCTTTCTCGGATTGAGGGCATTCTCTTGAGGAAGATCCTGGCCCAGGGTGG-3'